The following is an entry in ClinVar:

NM_001002295.2(GATA3):c.69C>T (p.His23=)

Gene: GATA3 (GATA binding protein 3; plus strand). Cytogenetic location: 10p14.
Variant type: single nucleotide variant.
Coding change: c.69C>T on transcript NM_001002295.2 (MANE Select); coding-DNA position 69, C replaced by T.
Protein change: p.His23=; no amino-acid change (histidine 23 retained).
Molecular consequence: synonymous variant.
Genome position (GRCh38, 1-based): chr10:8,055,724, C>T. VCF-style: chr10-8055724-C-T. GRCh37 (hg19) VCF-style: chr10-8097687-C-T.
Other names: c.69C>T, p.His23= (NM_002051.3); c.69C>T (NM_001002295.1).
Identifiers: ClinVar variation 1962791 (VCV001962791.7), dbSNP rs138345596, ClinGen allele CA5404283.
Genomic context (GRCh38, chr10:8,055,724, plus strand): 5'-GACGGCGGACCAGCCGCGCTGGGTGAGCCACCACCACCCCGCCGTGCTCAACGGGCAGCA[C>T]CCGGACACGCACCACCCGGGCCTCAGCCACTCCTACATGGACGCGGCGCAGTACCCGCTG-3'
Protein context (NP_001002295.1, residues 13-33): HHHPAVLNGQ[His23=]PDTHHPGLSH

ClinVar aggregate classification (germline): Benign. Review status: criteria provided, single submitter (1 of 4 stars). 2 submissions from 2 submitters: Benign (1). 1 of the submissions does not count toward it. Last evaluated 2025-09-07.

Conditions:
GATA3-related disorder. Also called: GATA3-related condition.

Allele frequency attached by ClinVar (database versions not stated): 1000 Genomes Project 30x 0.00016; ExAC 0.00036; gnomAD 0.00047; ESP Exome Variant Server 0.00070; gnomAD exomes 0.00004; TOPMed 0.00043; 1000 Genomes Project 0.00020.
gnomAD v4.1: 133 of 1,570,376 alleles (0.0085%); highest among the groups gnomAD compares: African/African-American, 0.16%; no homozygotes.

Submissions (2):

Labcorp Genetics (formerly Invitae), Labcorp
Classification: Benign. Last evaluated: 2025-09-07. Review status: criteria provided, single submitter. Criteria: Invitae Variant Classification Sherloc (09022015). Collection method: clinical testing. Allele origin: germline.

PreventionGenetics, part of Exact Sciences
Classification: Likely benign for GATA3-related condition. Last evaluated: 2019-03-26. Review status: no assertion criteria provided. Collection method: clinical testing. Allele origin: germline. Not counted in ClinVar's aggregate classification.
Comment: This variant is classified as likely benign based on ACMG/AMP sequence variant interpretation guidelines (Richards et al. 2015 PMID: 25741868, with internal and published modifications).